The following is an entry in ClinVar:

NM_018249.6(CDK5RAP2):c.4105T>C (p.Phe1369Leu)

Gene: CDK5RAP2 (CDK5 regulatory subunit associated protein 2; minus strand). Cytogenetic location: 9q33.2.
Variant type: single nucleotide variant.
Coding change: c.4105T>C on transcript NM_018249.6 (MANE Select); coding-DNA position 4105, T replaced by C.
Protein change: p.Phe1369Leu; replaces phenylalanine 1369 with leucine.
Molecular consequence: missense variant. On other transcripts: non-coding transcript variant (5).
Genome position (GRCh38, 1-based): chr9:120,419,860, A>G on the plus strand (T>C on the coding strand, the complement: CDK5RAP2 is on the minus strand). VCF-style: chr9-120419860-A-G. GRCh37 (hg19) VCF-style: chr9-123182138-A-G.
Other names: c.4105T>C, p.Phe1369Leu (NM_001011649.3); c.3415T>C, p.Phe1139Leu (NM_001272039.2); c.4006T>C, p.Phe1336Leu (NM_001410992.1); c.4009T>C, p.Phe1337Leu (NM_001410993.1); c.4102T>C, p.Phe1368Leu (NM_001410994.1); short protein forms F1336L, F1139L, F1368L, F1369L, F1337L.
Identifiers: ClinVar variation 1961460 (VCV001961460.6), dbSNP rs1256386000, ClinGen allele CA374719081.

ClinVar aggregate classification (germline): Uncertain significance. Review status: criteria provided, multiple submitters, no conflicts (2 of 4 stars). 2 submissions from 2 submitters: Uncertain significance (2). Last evaluated 2023-07-25.

Conditions:
Inborn genetic diseases. Identifiers: MedGen C0950123, MeSH D030342.

Allele frequency attached by ClinVar (database versions not stated): TOPMed 0.00001.
gnomAD v4.1: 7 of 1,613,664 alleles (0.00043%); highest among the groups gnomAD compares: Non-Finnish European, 0.00059%; no homozygotes.

Submissions (2):

Labcorp Genetics (formerly Invitae), Labcorp
Classification: Uncertain significance. Last evaluated: 2023-07-25. Review status: criteria provided, single submitter. Criteria: Invitae Variant Classification Sherloc (09022015). Collection method: clinical testing. Allele origin: germline.
Comment: This variant is present in population databases (no rsID available, gnomAD 0.0009%). In summary, the available evidence is currently insufficient to determine the role of this variant in disease. Therefore, it has been classified as a Variant of Uncertain Significance. An algorithm developed to predict the effect of missense changes on protein structure and function (PolyPhen-2) suggests that this variant is likely to be tolerated. ClinVar contains an entry for this variant (Variation ID: 1961460). This variant has not been reported in the literature in individuals affected with CDK5RAP2-related conditions. This sequence change replaces phenylalanine, which is neutral and non-polar, with leucine, which is neutral and non-polar, at codon 1369 of the CDK5RAP2 protein (p.Phe1369Leu).

Ambry Genetics
Classification: Uncertain significance for Inborn genetic diseases. Last evaluated: 2021-06-22. Review status: criteria provided, single submitter. Criteria: Ambry Variant Classification Scheme 2023. Collection method: clinical testing. Allele origin: germline.